The following is an entry in ClinVar:

ClinVar aggregate classification (germline): Likely pathogenic (1 of 4 stars; one submission).

Conditions:
Metachromatic leukodystrophy (MLD). Also called: METACHROMATIC LEUKOENCEPHALOPATHY; Arylsulfatase A Deficiency; SULFATIDE LIPIDOSIS; ARSA DEFICIENCY; CEREBROSIDE SULFATASE DEFICIENCY; Cerebral sclerosis diffuse metachromatic form. Identifiers: Orphanet 512, MedGen C0023522, MONDO:0018868, OMIM 250100.

Submission:

Women's Health and Genetics/Laboratory Corporation of America, LabCorp
Classification: Likely pathogenic for Metachromatic leukodystrophy. Last evaluated: 2020-12-07. Review status: criteria provided, single submitter. Criteria: LabCorp Variant Classification Summary - May 2015. Collection method: clinical testing. Allele origin: germline.
Comment: Variant summary: ARSA c.1227_1228delTA (p.Thr410HisfsX16) results in a premature termination codon, predicted to cause a truncation of the encoded protein or absence of the protein due to nonsense mediated decay, which are commonly known mechanisms for disease. Truncations downstream of this position have been classified as pathogenic by our laboratory. The variant was absent in 238760 control chromosomes. c.1227_1228delTA has been reported in the literature as 2324delAT in at-least one homozygous individual affected with the late infantile form of Metachromatic Leukodystrophy (Regis_1995). At least one publication reports experimental evidence evaluating enzyme activity in cultured fibroblasts. However, this report does not allow convincing conclusions about the variant effect due to no information on a reference range for control activity levels (Regis_1995). No clinical diagnostic laboratories have submitted clinical-significance assessments for this variant to ClinVar after 2014. Based on the evidence outlined above, the variant was classified as likely pathogenic.

NM_000487.6(ARSA):c.1227_1228del (p.Thr410fs)

Gene: ARSA (arylsulfatase A; minus strand). Cytogenetic location: 22q13.33.
Variant type: Deletion.
Coding change: c.1227_1228del on transcript NM_000487.6 (MANE Select); coding-DNA positions 1227 to 1228, 2 bases deleted (TA; older notation c.1227_1228delTA).
Protein change: p.Thr410fs; shifts the reading frame from threonine 410.
Molecular consequence: frameshift variant.
Genome position (GRCh38, 1-based): chr22:50,625,447-50,625,448, TA deleted on the plus strand (TA on the coding strand, the reverse complement: ARSA is on the minus strand); deleting any 2 consecutive bases within chr22:50,625,447-50,625,449 gives the same sequence; the c. name uses the placement nearest the transcript's 3' end. VCF-style (leftmost placement, unchanged base first): chr22-50625446-GTA-G. GRCh37 (hg19) VCF-style: chr22-51063874-GTA-G.
Other names: c.1227_1228del, p.Thr410fs (NM_001085425.3, NM_001085426.3, NM_001085427.3); c.969_970del, p.Thr324fs (NM_001085428.3, NM_001362782.2); short protein forms T324fs, T410fs.
Identifiers: ClinVar variation 992206 (VCV000992206.1), dbSNP rs2082647866, ClinGen allele CA1139667192.